The following is an entry in ClinVar:

ClinVar aggregate classification (germline): Uncertain significance (1 of 4 stars; one submission).

Conditions:
Neurofibromatosis, type 1 (NF1). Also called: Peripheral type neurofibromatosis; VON RECKLINGHAUSEN DISEASE; NEUROFIBROMATOSIS, TYPE I, SOMATIC; Neurofibromatosis, type I. Identifiers: Orphanet 636, MedGen C0027831, MONDO:0018975, OMIM 162200. Disease mechanism: loss of function.

Submission:

Labcorp Genetics (formerly Invitae), Labcorp
Classification: Uncertain significance for Neurofibromatosis, type 1. Last evaluated: 2022-05-04. Review status: criteria provided, single submitter. Criteria: Invitae Variant Classification Sherloc (09022015). Collection method: clinical testing. Allele origin: germline.
Comment: This variant results in a copy number gain of the genomic region encompassing exon(s) 13 of the NF1 gene. While the exact position of this variant cannot be determined from the data, sub-genic copy number gains are generally in tandem (PMID: 25640679). This variant is predicted to be in-frame, and likely preserves the integrity of the reading frame. This variant has not been reported in the literature in individuals affected with NF1-related conditions. In summary, the available evidence is currently insufficient to determine the role of this variant in disease. Therefore, it has been classified as a Variant of Uncertain Significance.

Literature cited by the submitters: PubMed 25640679.

NC_000017.10:g.(?_29540877)_(29542762_?)dup

Gene: NF1 (neurofibromin 1; plus strand). Cytogenetic location: 17q11.2.
Variant type: Duplication.
Identifiers: ClinVar variation 2422731 (VCV002422731.4).